The following is an entry in ClinVar:

ClinVar aggregate classification (germline): Uncertain significance (1 of 4 stars; one submission).

gnomAD v4.1: 9 of 1,610,760 alleles (0.00056%); highest among the groups gnomAD compares: East Asian, 0.0022%; no homozygotes.

Submission:

CeGaT Center for Human Genetics Tuebingen
Classification: Uncertain significance. Last evaluated: 2026-05-01. Review status: criteria provided, single submitter. Criteria: CeGaT Center For Human Genetics Tuebingen Variant Classification Criteria Version 2. Collection method: clinical testing. Allele origin: germline. Affected: yes. Observed: 1 variant allele.
Comment: STAMBP: PM2, PP3

NM_213622.4(STAMBP):c.1218+5G>A

Gene: STAMBP (STAM binding protein; plus strand). Cytogenetic location: 2p13.1.
Variant type: single nucleotide variant.
Coding change: c.1218+5G>A on transcript NM_213622.4 (MANE Select); 5 bases into the intron after coding-DNA position 1218, G replaced by A.
Molecular consequence: intron variant.
Genome position (GRCh38, 1-based): chr2:73,860,156, G>A. VCF-style: chr2-73860156-G-A. GRCh37 (hg19) VCF-style: chr2-74087283-G-A.
Other names: c.1218+5G>A (NM_001438900.1, NM_001353970.2, NM_006463.6 and 4 more transcripts); c.813+5G>A (NM_001353976.2, NM_001353974.2, NM_001353975.2 and 3 more transcripts).
Identifiers: ClinVar variation 4873889 (VCV004873889.2).